The following is an entry in ClinVar:

ClinVar aggregate classification (germline): Likely pathogenic. Review status: criteria provided, multiple submitters, no conflicts (2 of 4 stars). 2 submissions from 2 submitters: Likely pathogenic (2). Last evaluated 2024-04-19.

Conditions:
Methylmalonic aciduria, cblA type (MACA). Also called: Methylmalonic aciduria, vitamin b12-responsive, due to defect in synthesis of adenosylcobalamin, cbla complementation type; MMA cbl A type; Methylmalonic acidemia cblA type; Methylmalonic aciduria, vitamin B12-responsive; Vitamin B12-responsive methylmalonic acidemia type cblA. Identifiers: Orphanet 28, Orphanet 79310, MedGen C1855109, MONDO:0009613, OMIM 251100.

Allele frequency attached by ClinVar (database versions not stated): gnomAD exomes below 0.00001; TOPMed 0.00001.
gnomAD v4.1: 1 of 1,613,890 alleles (0.000062%); highest among the groups gnomAD compares: Non-Finnish European, 0.000085%; no homozygotes.

Submissions (2):

GeneDx
Classification: Likely pathogenic. Last evaluated: 2024-04-19. Review status: criteria provided, single submitter. Criteria: GeneDx Variant Classification Process June 2021. Collection method: clinical testing. Allele origin: germline. Affected: yes.
Comment: Canonical splice site variant predicted to result in an in-frame loss of the adjacent exon in a gene for which loss of function is a known mechanism of disease; Not observed at significant frequency in large population cohorts (gnomAD); This variant is associated with the following publications: (PMID: 23026888)

Labcorp Genetics (formerly Invitae), Labcorp
Classification: Likely pathogenic for Methylmalonic aciduria, cblA type. Last evaluated: 2022-09-23. Review status: criteria provided, single submitter. Criteria: Invitae Variant Classification Sherloc (09022015). Collection method: clinical testing. Allele origin: germline.
Comment: Algorithms developed to predict the effect of sequence changes on RNA splicing suggest that this variant may disrupt the consensus splice site. This sequence change affects an acceptor splice site in intron 2 of the MMAA gene. It is expected to disrupt RNA splicing. Variants that disrupt the donor or acceptor splice site typically lead to a loss of protein function (PMID: 16199547), and loss-of-function variants in MMAA are known to be pathogenic (PMID: 15523652, 15781192). This variant is not present in population databases (gnomAD no frequency). Disruption of this splice site has been observed in individual(s) with methylmalonic aciduria cobalamin A type (PMID: 23026888). In summary, the currently available evidence indicates that the variant is pathogenic, but additional data are needed to prove that conclusively. Therefore, this variant has been classified as Likely Pathogenic.

Literature cited by the submitters: PubMed 16199547 (cited by Labcorp Genetics (formerly Invitae), Labcorp); PubMed 15523652 (cited by Labcorp Genetics (formerly Invitae), Labcorp); PubMed 15781192 (cited by Labcorp Genetics (formerly Invitae), Labcorp); PubMed 23026888 (cited by Labcorp Genetics (formerly Invitae), Labcorp).

NM_172250.3(MMAA):c.440-2A>G

Gene: MMAA (metabolism of cobalamin associated A; plus strand). Cytogenetic location: 4q31.21.
Variant type: single nucleotide variant.
Coding change: c.440-2A>G on transcript NM_172250.3 (MANE Select); the canonical splice acceptor site of the intron before coding-DNA position 440, A replaced by G.
Molecular consequence: splice acceptor variant.
Genome position (GRCh38, 1-based): chr4:145,642,361, A>G. VCF-style: chr4-145642361-A-G. GRCh37 (hg19) VCF-style: chr4-146563513-A-G.
Other names: c.440-2A>G (NM_001375644.1).
Identifiers: ClinVar variation 2203575 (VCV002203575.5), dbSNP rs1560797350, ClinGen allele CA358354514.